The following is an entry in ClinVar:

NM_014236.4(GNPAT):c.308T>C (p.Val103Ala)

Gene: GNPAT (glyceronephosphate O-acyltransferase; plus strand). Cytogenetic location: 1q42.2.
Variant type: single nucleotide variant.
Coding change: c.308T>C on transcript NM_014236.4 (MANE Select); coding-DNA position 308, T replaced by C.
Protein change: p.Val103Ala; replaces valine 103 with alanine.
Molecular consequence: missense variant.
Genome position (GRCh38, 1-based): chr1:231,260,553, T>C. VCF-style: chr1-231260553-T-C. GRCh37 (hg19) VCF-style: chr1-231396299-T-C.
Other names: c.125T>C, p.Val42Ala (NM_001316350.2); short protein forms V103A, V42A.
Identifiers: ClinVar variation 1064167 (VCV001064167.3), dbSNP rs773419038, ClinGen allele CA1451770.
Genomic context (GRCh38, chr1:231,260,553, plus strand): 5'-TCCTTTCCTTTTAGCTTTCCAAGGAATCCCTTCAATCTGTGGATGTCCTCCGAGAGGAAG[T>C]GAGTGAGATCTTAGATGAAATGAGTCACAAACTGCGTCTTGGAGCCATTCGGTTTTGTGC-3'
Protein context (NP_055051.1, residues 93-113): LQSVDVLREE[Val103Ala]SEILDEMSHK

ClinVar aggregate classification (germline): Uncertain significance (1 of 4 stars; one submission).

Allele frequency attached by ClinVar (database versions not stated): gnomAD 0.00001; gnomAD exomes 0.00001 and 0.00004; ExAC 0.00002; TOPMed 0.00002.
gnomAD v4.1: 13 of 1,611,390 alleles (0.00081%); highest among the groups gnomAD compares: Admixed American, 0.018%; no homozygotes.

Submission:

Labcorp Genetics (formerly Invitae), Labcorp
Classification: Uncertain significance. Last evaluated: 2024-10-17. Review status: criteria provided, single submitter. Criteria: Invitae Variant Classification Sherloc (09022015). Collection method: clinical testing. Allele origin: germline.
Comment: This sequence change replaces valine, which is neutral and non-polar, with alanine, which is neutral and non-polar, at codon 103 of the GNPAT protein (p.Val103Ala). This variant is present in population databases (rs773419038, gnomAD 0.02%). This variant has not been reported in the literature in individuals affected with GNPAT-related conditions. ClinVar contains an entry for this variant (Variation ID: 1064167). Invitae Evidence Modeling of protein sequence and biophysical properties (such as structural, functional, and spatial information, amino acid conservation, physicochemical variation, residue mobility, and thermodynamic stability) indicates that this missense variant is not expected to disrupt GNPAT protein function with a negative predictive value of 80%. In summary, the available evidence is currently insufficient to determine the role of this variant in disease. Therefore, it has been classified as a Variant of Uncertain Significance.